The following is an entry in ClinVar:

ClinVar aggregate classification (germline): Uncertain significance (1 of 4 stars; one submission).

gnomAD v4.1: 1 of 1,613,130 alleles (0.000062%); highest among the groups gnomAD compares: African/African-American, 0.0013%; no homozygotes.

Submission:

Women's Health and Genetics/Laboratory Corporation of America, LabCorp
Classification: Uncertain significance. Last evaluated: 2024-07-10. Review status: criteria provided, single submitter. Criteria: LabCorp Variant Classification Summary - May 2015. Collection method: clinical testing. Allele origin: germline.
Comment: Variant summary: ABCA3 c.4972A>G (p.Ser1658Gly) results in a non-conservative amino acid change in the encoded protein sequence. Three of five in-silico tools predict a benign effect of the variant on protein function. The variant was absent in 249700 control chromosomes. The available data on variant occurrences in the general population are insufficient to allow any conclusion about variant significance. c.4972A>G has been reported in the literature in a newborn with respiratory distress (Zhou_2012). These report(s) do not provide unequivocal conclusions about association of the variant with Pulmonary surfactant metabolism dysfunction. To our knowledge, no experimental evidence demonstrating an impact on protein function has been reported. The following publication have been ascertained in the context of this evaluation (PMID: 22455634). No submitters have cited clinical-significance assessments for this variant to ClinVar. Based on the evidence outlined above, the variant was classified as uncertain significance.

Literature cited by the submitters: PubMed 22455634.

NM_001089.3(ABCA3):c.4972A>G (p.Ser1658Gly)

Gene: ABCA3 (ATP binding cassette subfamily A member 3; minus strand). Cytogenetic location: 16p13.3.
Variant type: single nucleotide variant.
Coding change: c.4972A>G on transcript NM_001089.3 (MANE Select); coding-DNA position 4972, A replaced by G.
Protein change: p.Ser1658Gly; replaces serine 1658 with glycine.
Molecular consequence: missense variant.
Genome position (GRCh38, 1-based): chr16:2,277,608, T>C on the plus strand (A>G on the coding strand, the complement: ABCA3 is on the minus strand). VCF-style: chr16-2277608-T-C. GRCh37 (hg19) VCF-style: chr16-2327609-T-C.
Other names: short protein forms S1658G.
Identifiers: ClinVar variation 3338964 (VCV003338964.1).